The following is an entry in ClinVar:

NM_005026.5(PIK3CD):c.2362A>G (p.Met788Val)

Gene: PIK3CD (phosphatidylinositol-4,5-bisphosphate 3-kinase catalytic subunit delta; plus strand). Cytogenetic location: 1p36.22.
Variant type: single nucleotide variant.
Coding change: c.2362A>G on transcript NM_005026.5 (MANE Select); coding-DNA position 2362, A replaced by G.
Protein change: p.Met788Val; replaces methionine 788 with valine.
Molecular consequence: missense variant.
Genome position (GRCh38, 1-based): chr1:9,722,542, A>G. VCF-style: chr1-9722542-A-G. GRCh37 (hg19) VCF-style: chr1-9782600-A-G.
Other names: c.2359A>G, p.Met787Val (NM_001350234.2); c.2275A>G, p.Met759Val (NM_001350235.1); short protein forms M759V, M787V, M788V.
Identifiers: ClinVar variation 1372494 (VCV001372494.6), dbSNP rs1648845956, ClinGen allele CA338305786.
Genomic context (GRCh38, chr1:9,722,542, plus strand): 5'-ACCTACCAGAAACTCACGCTTCTCCTCCCACCGGCCGGTGGCACAGACCTCCGGCAGGAC[A>G]TGCTGACCCTGCAGATGATCCAGCTCATGGACGTCCTGTGGAAGCAGGAGGGGCTGGACC-3'
Protein context (NP_005017.3, residues 778-798): FKNGDDLRQD[Met788Val]LTLQMIQLMD

ClinVar aggregate classification (germline): Uncertain significance (1 of 4 stars; one submission).

Conditions:
Immunodeficiency 14 (IMD14A). Also called: ACTIVATED PI3K-DELTA SYNDROME 1; Activated PI3K Delta Syndrome Type 1 (APDS1); p110-DELTA-ACTIVATING MUTATION CAUSING SENESCENT T CELLS, LYMPHADENOPATHY, AND IMMUNODEFICIENCY; IMMUNODEFICIENCY 14A WITH LYMPHOPROLIFERATION, AUTOSOMAL DOMINANT. Identifiers: Orphanet 397596, Orphanet 693661, MedGen C5907821, MONDO:0014222, OMIM 615513.

gnomAD v4.1: 2 of 1,613,494 alleles (0.00012%); highest among the groups gnomAD compares: Non-Finnish European, 0.00017%; no homozygotes.

Submission:

Labcorp Genetics (formerly Invitae), Labcorp
Classification: Uncertain significance for Activated PI3K-delta syndrome. Last evaluated: 2024-02-24. Review status: criteria provided, single submitter. Criteria: Invitae Variant Classification Sherloc (09022015). Collection method: clinical testing. Allele origin: germline.
Comment: This sequence change replaces methionine, which is neutral and non-polar, with valine, which is neutral and non-polar, at codon 788 of the PIK3CD protein (p.Met788Val). This variant is not present in population databases (gnomAD no frequency). This variant has not been reported in the literature in individuals affected with PIK3CD-related conditions. ClinVar contains an entry for this variant (Variation ID: 1372494). Advanced modeling of protein sequence and biophysical properties (such as structural, functional, and spatial information, amino acid conservation, physicochemical variation, residue mobility, and thermodynamic stability) performed at Invitae indicates that this missense variant is expected to disrupt PIK3CD protein function with a positive predictive value of 80%. In summary, the available evidence is currently insufficient to determine the role of this variant in disease. Therefore, it has been classified as a Variant of Uncertain Significance.